The following is an entry in ClinVar:

ClinVar aggregate classification (germline): Uncertain significance. Review status: criteria provided, multiple submitters, no conflicts (2 of 4 stars). 2 submissions from 2 submitters: Uncertain significance (2). Last evaluated 2023-07-05.

Conditions:
Hereditary cancer-predisposing syndrome. Also called: Hereditary neoplastic syndrome; Hereditary Cancer Syndrome; Neoplastic Syndromes, Hereditary; Tumor predisposition. Identifiers: Orphanet 140162, MedGen C0027672, MeSH D009386, MONDO:0015356.

gnomAD v4.1: 1 of 1,613,692 alleles (0.000062%); highest among the groups gnomAD compares: African/African-American, 0.0013%; no homozygotes.

Submissions (2):

Ambry Genetics
Classification: Uncertain significance for Hereditary cancer-predisposing syndrome. Last evaluated: 2023-07-05. Review status: criteria provided, single submitter. Criteria: Ambry Variant Classification Scheme 2023. Collection method: clinical testing. Allele origin: germline.
Comment: The p.A698V variant (also known as c.2093C>T), located in coding exon 14 of the KIT gene, results from a C to T substitution at nucleotide position 2093. The alanine at codon 698 is replaced by valine, an amino acid with similar properties. This amino acid position is conserved. In addition, this alteration is predicted to be tolerated by in silico analysis. Since supporting evidence is limited at this time, the clinical significance of this alteration remains unclear.

GeneDx
Classification: Uncertain significance. Last evaluated: 2023-01-13. Review status: criteria provided, single submitter. Criteria: GeneDx Variant Classification Process June 2021. Collection method: clinical testing. Allele origin: germline. Affected: yes.
Comment: Not observed at significant frequency in large population cohorts (gnomAD); In silico analysis supports that this missense variant does not alter protein structure/function; Has not been previously published as pathogenic or benign to our knowledge

NM_000222.3(KIT):c.2093C>T (p.Ala698Val)

Gene: KIT (KIT proto-oncogene, receptor tyrosine kinase; plus strand). Cytogenetic location: 4q12.
Variant type: single nucleotide variant.
Coding change: c.2093C>T on transcript NM_000222.3 (MANE Select); coding-DNA position 2093, C replaced by T.
Protein change: p.Ala698Val; replaces alanine 698 with valine.
Molecular consequence: missense variant.
Genome position (GRCh38, 1-based): chr4:54,729,437, C>T. VCF-style: chr4-54729437-C-T. GRCh37 (hg19) VCF-style: chr4-55595603-C-T.
Other names: c.2081C>T, p.Ala694Val (NM_001093772.2, NM_001385286.1); c.2096C>T, p.Ala699Val (NM_001385284.1, NM_001385290.1); c.2093C>T, p.Ala698Val (NM_001385285.1); c.2084C>T, p.Ala695Val (NM_001385288.1, NM_001385292.1); short protein forms A694V, A695V, A698V, A699V.
Identifiers: ClinVar variation 2572892 (VCV002572892.3), dbSNP rs780329057, ClinGen allele CA356909722.